The following is an entry in ClinVar:

ClinVar aggregate classification (germline): Uncertain significance (1 of 4 stars; one submission).

Allele frequency attached by ClinVar (database versions not stated): gnomAD exomes 0.00001; ExAC 0.00002; TOPMed 0.00002; gnomAD 0.00003; ESP Exome Variant Server 0.00008; 1000 Genomes Project 0.00020; 1000 Genomes Project 30x 0.00031.
gnomAD v4.1: 15 of 1,613,958 alleles (0.00093%); highest among the groups gnomAD compares: African/African-American, 0.012%; no homozygotes.

Submission:

Labcorp Genetics (formerly Invitae), Labcorp
Classification: Uncertain significance. Last evaluated: 2025-09-15. Review status: criteria provided, single submitter. Criteria: Invitae Variant Classification Sherloc (09022015). Collection method: clinical testing. Allele origin: germline.
Comment: This sequence change falls in intron 13 of the COL7A1 gene. It does not directly change the encoded amino acid sequence of the COL7A1 protein. This variant is present in population databases (rs376966171, gnomAD 0.02%). This variant has not been reported in the literature in individuals affected with COL7A1-related conditions. ClinVar contains an entry for this variant (Variation ID: 2147094). Algorithms developed to predict the effect of sequence changes on RNA splicing suggest that this variant may disrupt the consensus splice site. In summary, the available evidence is currently insufficient to determine the role of this variant in disease. Therefore, it has been classified as a Variant of Uncertain Significance.

NM_000094.4(COL7A1):c.1781-20C>G

Gene: COL7A1 (collagen type VII alpha 1 chain; minus strand). Cytogenetic location: 3p21.31.
Variant type: single nucleotide variant.
Coding change: c.1781-20C>G on transcript NM_000094.4 (MANE Select); 20 bases into the intron before coding-DNA position 1781, C replaced by G.
Molecular consequence: intron variant.
Genome position (GRCh38, 1-based): chr3:48,590,604, G>C on the plus strand (C>G on the coding strand, the complement: COL7A1 is on the minus strand). VCF-style: chr3-48590604-G-C. GRCh37 (hg19) VCF-style: chr3-48628037-G-C.
Identifiers: ClinVar variation 2147094 (VCV002147094.3), dbSNP rs376966171, ClinGen allele CA2381110.